The following is an entry in ClinVar:

NM_004415.4(DSP):c.5840A>G (p.Tyr1947Cys)

Gene: DSP (desmoplakin; plus strand). Cytogenetic location: 6p24.3.
Variant type: single nucleotide variant.
Coding change: c.5840A>G on transcript NM_004415.4 (MANE Select); coding-DNA position 5840, A replaced by G.
Protein change: p.Tyr1947Cys; replaces tyrosine 1947 with cysteine.
Molecular consequence: missense variant.
Genome position (GRCh38, 1-based): chr6:7,583,102, A>G. VCF-style: chr6-7583102-A-G. GRCh37 (hg19) VCF-style: chr6-7583335-A-G.
Other names: c.4043A>G, p.Tyr1348Cys (NM_001008844.3); c.4511A>G, p.Tyr1504Cys (NM_001319034.2); short protein forms Y1504C, Y1348C, Y1947C.
Identifiers: ClinVar variation 1750019 (VCV001750019.10), dbSNP rs1226340631, ClinGen allele CA362689526.

ClinVar aggregate classification (germline): Conflicting classifications of pathogenicity. Review status: criteria provided, conflicting classifications (1 of 4 stars). 4 submissions from 4 submitters: Uncertain significance (3); Likely benign (1). Last evaluated 2025-05-27.

Conditions:
Cardiomyopathy (CMYO). Also called: Cardiomyopathies. Identifiers: Orphanet 167848, MedGen C0878544, MONDO:0004994, HP:0001638. Inheritance: Various modes of inheritance.
Cardiovascular phenotype. Identifiers: MedGen CN230736.
Arrhythmogenic cardiomyopathy with wooly hair and keratoderma. Also called: PALMOPLANTAR KERATODERMA WITH LEFT VENTRICULAR CARDIOMYOPATHY AND WOOLLY HAIR; Carvajal syndrome; Dilated cardiomyopathy with woolly hair and keratoderma; Arrhythmogenic cardiomyopathy with woolly hair and keratoderma. Identifiers: Orphanet 65282, MedGen C1854063, MONDO:0011581, OMIM 605676.
Arrhythmogenic right ventricular dysplasia 8 (ARVD8). Also called: Arrhythmogenic Right Ventricular Dysplasia/Cardiomyopathy 8; ARRHYTHMOGENIC RIGHT VENTRICULAR DYSPLASIA, FAMILIAL, 8; ARRHYTHMOGENIC RIGHT VENTRICULAR CARDIOMYOPATHY 8. Identifiers: MedGen C1843896, MONDO:0011831, OMIM 607450.

Allele frequency attached by ClinVar (database versions not stated): gnomAD exomes below 0.00001.
gnomAD v4.1: 5 of 1,614,092 alleles (0.00031%); highest among the groups gnomAD compares: Admixed American, 0.0033%; no homozygotes.

Submissions (4):

Labcorp Genetics (formerly Invitae), Labcorp
Classification: Likely benign for Arrhythmogenic cardiomyopathy with wooly hair and keratoderma; Arrhythmogenic right ventricular dysplasia 8. Last evaluated: 2025-05-27. Review status: criteria provided, single submitter. Criteria: Invitae Variant Classification Sherloc (09022015). Collection method: clinical testing. Allele origin: germline.

All of Us Research Program, National Institutes of Health
Classification: Uncertain significance for Arrhythmogenic cardiomyopathy with wooly hair and keratoderma. Last evaluated: 2024-09-23. Review status: criteria provided, single submitter. Criteria: ACMG Guidelines, 2015. Collection method: clinical testing. Allele origin: germline. Inheritance: Autosomal dominant inheritance. Observed: 6 variant alleles, 6 heterozygotes.
Comment: This missense variant replaces tyrosine with cysteine at codon 1947 of the DSP protein. Computational prediction suggests that this variant may not impact protein structure and function (internally defined REVEL score threshold <= 0.5, PMID: 27666373). To our knowledge, functional studies have not been reported for this variant. This variant has not been reported in individuals affected with DSP-related disorders in the literature. This variant has been identified in 2/250676 chromosomes in the general population by the Genome Aggregation Database (gnomAD). The available evidence is insufficient to determine the role of this variant in disease conclusively. Therefore, this variant is classified as a Variant of Uncertain Significance.

This study involves interpretation of variants in research participants for the purpose of population health screening. Participant phenotype was not available at the time of variant classification. Additional details can be found in publication PMID: 35346344, PMCID: PMC8962531

Color Diagnostics, LLC DBA Color Health
Classification: Uncertain significance for Cardiomyopathy. Last evaluated: 2024-01-30. Review status: criteria provided, single submitter. Criteria: ACMG Guidelines, 2015. Collection method: clinical testing. Allele origin: germline.
Comment: This missense variant replaces tyrosine with cysteine at codon 1947 of the DSP protein. Computational prediction suggests that this variant may not impact protein structure and function. To our knowledge, functional studies have not been reported for this variant. This variant has not been reported in individuals affected with DSP-related disorders in the literature. This variant has been identified in 2/250676 chromosomes in the general population by the Genome Aggregation Database (gnomAD). The available evidence is insufficient to determine the role of this variant in disease conclusively. Therefore, this variant is classified as a Variant of Uncertain Significance.

Ambry Genetics
Classification: Uncertain significance for Cardiovascular phenotype. Last evaluated: 2021-01-06. Review status: criteria provided, single submitter. Criteria: Ambry Variant Classification Scheme 2023. Collection method: clinical testing. Allele origin: germline.
Comment: The p.Y1947C variant (also known as c.5840A>G), located in coding exon 24 of the DSP gene, results from an A to G substitution at nucleotide position 5840. The tyrosine at codon 1947 is replaced by cysteine, an amino acid with highly dissimilar properties. This amino acid position is not well conserved in available vertebrate species, and cysteine is the reference amino acid in other vertebrate species. In addition, the in silico prediction for this alteration is inconclusive. Since supporting evidence is limited at this time, the clinical significance of this alteration remains unclear.